The following is an entry in ClinVar:

ClinVar aggregate classification (germline): Uncertain significance (1 of 4 stars; one submission).

Conditions:
SIN3A-related intellectual disability syndrome due to a point mutation. Also called: 15q24 Microdeletion Syndrome; WITTEVEEN-KOLK SYNDROME. Identifiers: Orphanet 500166, Orphanet 94065, MedGen C4310804, MONDO:0044700, OMIM 613406.

Allele frequency attached by ClinVar (database versions not stated): TOPMed below 0.00001.

Submission:

Illumina Laboratory Services, Illumina
Classification: Uncertain significance for SIN3A-related intellectual disability syndrome due to a point mutation. Last evaluated: 2021-09-17. Review status: criteria provided, single submitter. Criteria: ICSLVariantClassificationCriteria RUGD 01 April 2020. Collection method: clinical testing. Allele origin: unknown.
Comment: The SIN3A c.2842A>G (p.Lys948Glu) variant is a missense variant. A literature search was conducted for the gene, cDNA change, and amino acid change. No publications were identified through this search. This variant is not found in the Genome Aggregation Database (version 2.1.1 or 3.1.2) in a region of good sequencing coverage, so the variant is presumed to be rare. Based on the limited evidence available, the p.Lys948Glu variant is classified as a variant of uncertain significance for Witteveen-Kolk syndrome.

NM_001145358.2(SIN3A):c.2842A>G (p.Lys948Glu)

Gene: SIN3A (SIN3 transcription regulator family member A; minus strand). Cytogenetic location: 15q24.2.
Variant type: single nucleotide variant.
Coding change: c.2842A>G on transcript NM_001145358.2 (MANE Select); coding-DNA position 2842, A replaced by G.
Protein change: p.Lys948Glu; replaces lysine 948 with glutamic acid.
Molecular consequence: missense variant.
Genome position (GRCh38, 1-based): chr15:75,392,251, T>C on the plus strand (A>G on the coding strand, the complement: SIN3A is on the minus strand). VCF-style: chr15-75392251-T-C. GRCh37 (hg19) VCF-style: chr15-75684592-T-C.
Other names: c.2842A>G, p.Lys948Glu (NM_001145357.2, NM_015477.3); short protein forms K948E.
Identifiers: ClinVar variation 1328147 (VCV001328147.4), dbSNP rs2073219406, ClinGen allele CA393490326.
Genomic context (GRCh38, chr15:75,392,251, plus strand): 5'-AAGGTCCTCAACCTCACACATCCTCTGTAAATCAGAGGTCTCGGCACTCACTAGGTTCTT[T>C]GAGACGTAGCTGAATGGCAGGGCTGTCACTCTTGTCTCGCTTTATGCCCAGCACTTCCCG-3'
Protein context (NP_001138830.1, residues 938-958): SDSPAIQLRL[Lys948Glu]EPMDVDVEDY